The following is an entry in ClinVar:

NM_003072.5(SMARCA4):c.1161C>A (p.Asn387Lys)

Gene: SMARCA4 (SWI/SNF related BAF chromatin remodeling complex subunit ATPase 4; plus strand). Cytogenetic location: 19p13.2.
Variant type: single nucleotide variant.
Coding change: c.1161C>A on transcript NM_003072.5 (MANE Select); coding-DNA position 1161, C replaced by A.
Protein change: p.Asn387Lys; replaces asparagine 387 with lysine.
Molecular consequence: missense variant. On other transcripts: non-coding transcript variant (1).
Genome position (GRCh38, 1-based): chr19:10,989,359, C>A. VCF-style: chr19-10989359-C-A. GRCh37 (hg19) VCF-style: chr19-11100035-C-A.
Other names: c.1161C>A, p.Asn387Lys (NM_001128844.3, NM_001128845.2, NM_001128846.2 and 6 more transcripts); short protein forms N387K.
Identifiers: ClinVar variation 2587126 (VCV002587126.2), dbSNP rs1555756330, ClinGen allele CA404059504.

ClinVar aggregate classification (germline): Uncertain significance (1 of 4 stars; one submission).

Conditions:
Hereditary cancer-predisposing syndrome. Also called: Tumor predisposition; Hereditary Cancer Syndrome; Hereditary neoplastic syndrome; Neoplastic Syndromes, Hereditary. Identifiers: Orphanet 140162, MedGen C0027672, MeSH D009386, MONDO:0015356.

Submission:

Ambry Genetics
Classification: Uncertain significance for Hereditary cancer-predisposing syndrome. Last evaluated: 2023-07-11. Review status: criteria provided, single submitter. Criteria: Ambry Variant Classification Scheme 2023. Collection method: clinical testing. Allele origin: germline.
Comment: The p.N387K variant (also known as c.1161C>A), located in coding exon 6 of the SMARCA4 gene, results from a C to A substitution at nucleotide position 1161. The asparagine at codon 387 is replaced by lysine, an amino acid with similar properties. This amino acid position is highly conserved in available vertebrate species. In addition, this alteration is predicted to be tolerated by in silico analysis. Missense and in-frame variants in SMARCA4 are known to cause neurodevelopmental disorders; however, such associations with rhabdoid tumor predisposition syndrome including small cell carcinoma of the ovary-hypercalcemic type (SCCOHT) are exceedingly rare (Kosho T et al. Am J Med Genet C Semin Med Genet. 2014 Sep;166C(3):262-75; Jelinic P et al. Nat Genet. 2014 May;46(5):424-6). Based on the supporting evidence, the association of this alteration with Coffin-Siris syndrome is unknown; however, the association of this alteration with rhabdoid tumor predisposition syndrome is unlikely.